The following is an entry in ClinVar:

NM_002334.4(LRP4):c.1437C>T (p.Arg479=)

Gene: LRP4 (LDL receptor related protein 4; minus strand). Cytogenetic location: 11p11.2.
Variant type: single nucleotide variant.
Coding change: c.1437C>T on transcript NM_002334.4 (MANE Select); coding-DNA position 1437, C replaced by T.
Protein change: p.Arg479=; no amino-acid change (arginine 479 retained).
Molecular consequence: synonymous variant.
Genome position (GRCh38, 1-based): chr11:46,894,692, G>A on the plus strand (C>T on the coding strand, the complement: LRP4 is on the minus strand). VCF-style: chr11-46894692-G-A. GRCh37 (hg19) VCF-style: chr11-46916243-G-A.
Identifiers: ClinVar variation 1415986 (VCV001415986.18), dbSNP rs141108617, ClinGen allele CA5970150.
Genomic context (GRCh38, chr11:46,894,692, plus strand): 5'-GCCGTTGAGGTTGGCACGGAGGATCCGGTCCAGGGTGACATCTGACCAGAAGACAAGCTC[G>A]CGGCGGTGGTGGAAATCAAGGGCAATGGCATTCTCCAGGTTGTTAAGCAGCAGTGTGTAC-3'
Protein context (NP_002325.2, residues 469-489): NAIALDFHHR[Arg479=]ELVFWSDVTL

ClinVar aggregate classification (germline): Likely benign. Review status: criteria provided, multiple submitters, no conflicts (2 of 4 stars). 2 submissions from 2 submitters: Likely benign (2). Last evaluated 2025-11-22.

Conditions:
Cenani-Lenz syndactyly syndrome. Also called: CENANI SYNDACTYLISM; SYNDACTYLY, TYPE VII. Identifiers: Orphanet 3258, MedGen C1859309, MONDO:0008931, OMIM 212780.
Sclerosteosis 2 (SOST2). Identifiers: Orphanet 3152, MedGen C3280402, MONDO:0013679, OMIM 614305.
Congenital myasthenic syndrome 17. Identifiers: Orphanet 590, MedGen C4225377, MONDO:0014578, OMIM 616304.

Allele frequency attached by ClinVar (database versions not stated): ExAC 0.00004; gnomAD exomes 0.00004 and 0.00005; gnomAD 0.00005; TOPMed 0.00008; ESP Exome Variant Server 0.00015.
gnomAD v4.1: 81 of 1,614,128 alleles (0.005%); highest among the groups gnomAD compares: Non-Finnish European, 0.0061%; no homozygotes.

Submissions (2):

Labcorp Genetics (formerly Invitae), Labcorp
Classification: Likely benign for Cenani-Lenz syndactyly syndrome; Sclerosteosis 2; Congenital myasthenic syndrome 17. Last evaluated: 2025-11-22. Review status: criteria provided, single submitter. Criteria: Invitae Variant Classification Sherloc (09022015). Collection method: clinical testing. Allele origin: germline.

CeGaT Center for Human Genetics Tuebingen
Classification: Likely benign. Last evaluated: 2025-05-01. Review status: criteria provided, single submitter. Criteria: CeGaT Center For Human Genetics Tuebingen Variant Classification Criteria Version 2. Collection method: clinical testing. Allele origin: germline. Affected: yes. Observed: 1 variant allele.
Comment: LRP4: BP4, BP7